The following is an entry in ClinVar:

ClinVar aggregate classification (germline): Uncertain significance (1 of 4 stars; one submission).

Allele frequency attached by ClinVar (database versions not stated): gnomAD exomes below 0.00001.
gnomAD v4.1: 1 of 1,612,134 alleles (0.000062%); highest among the groups gnomAD compares: Non-Finnish European, 0.000085%; no homozygotes.

Submission:

Labcorp Genetics (formerly Invitae), Labcorp
Classification: Uncertain significance. Last evaluated: 2023-05-22. Review status: criteria provided, single submitter. Criteria: Invitae Variant Classification Sherloc (09022015). Collection method: clinical testing. Allele origin: germline.
Comment: In summary, the available evidence is currently insufficient to determine the role of this variant in disease. Therefore, it has been classified as a Variant of Uncertain Significance. Advanced modeling of protein sequence and biophysical properties (such as structural, functional, and spatial information, amino acid conservation, physicochemical variation, residue mobility, and thermodynamic stability) performed at Invitae indicates that this missense variant is not expected to disrupt APOA1 protein function. This variant has not been reported in the literature in individuals affected with APOA1-related conditions. This variant is not present in population databases (gnomAD no frequency). This sequence change replaces serine, which is neutral and polar, with glycine, which is neutral and non-polar, at codon 166 of the APOA1 protein (p.Ser166Gly).

NM_000039.3(APOA1):c.496A>G (p.Ser166Gly)

Gene: APOA1 (apolipoprotein A1; minus strand). Cytogenetic location: 11q23.3.
Variant type: single nucleotide variant.
Coding change: c.496A>G on transcript NM_000039.3 (MANE Select); coding-DNA position 496, A replaced by G.
Protein change: p.Ser166Gly; replaces serine 166 with glycine.
Molecular consequence: missense variant.
Genome position (GRCh38, 1-based): chr11:116,836,116, T>C on the plus strand (A>G on the coding strand, the complement: APOA1 is on the minus strand). VCF-style: chr11-116836116-T-C. GRCh37 (hg19) VCF-style: chr11-116706832-T-C.
Other names: c.496A>G, p.Ser166Gly (NM_001318017.2, NM_001318018.2, NM_001425090.1); c.169A>G, p.Ser57Gly (NM_001318021.2, NM_001425091.1, NM_001425092.1); c.451A>G, p.Ser151Gly (NM_001425093.1); short protein forms S151G, S57G, S166G.
Identifiers: ClinVar variation 2866850 (VCV002866850.3), dbSNP rs2540289304, ClinGen allele CA382715500.
Genomic context (GRCh38, chr11:116,836,116, plus strand): 5'-GCGTGCGCAGCGCGTCCACATGGGCGCGCGCGCGGTCGCGCATCTCCTCGCCCAGTGGGC[T>C]CAGCTTCTCTTGCAGCTCGTGCAGCTTCTGGCGCGCGCCCTCTTGGAGCTCTGCGCGCAG-3'
Protein context (NP_000030.1, residues 156-176): QKLHELQEKL[Ser166Gly]PLGEEMRDRA